The following is an entry in ClinVar:

NM_001018115.3(FANCD2):c.2555C>G (p.Pro852Arg)

Genes: FANCD2 (FA complementation group D2; plus strand), LOC107303338 (3p25 FANCD2 Alu-mediated recombination region; plus strand). Cytogenetic location: 3p25.3.
Variant type: single nucleotide variant.
Coding change: c.2555C>G on transcript NM_001018115.3 (MANE Select); coding-DNA position 2555, C replaced by G.
Protein change: p.Pro852Arg; replaces proline 852 with arginine.
Molecular consequence: missense variant.
Genome position (GRCh38, 1-based): chr3:10,072,931, C>G. VCF-style: chr3-10072931-C-G. GRCh37 (hg19) VCF-style: chr3-10114615-C-G.
Other names: c.2555C>G, p.Pro852Arg (NM_001319984.2, NM_001374254.1, NM_033084.6); c.2444C>G, p.Pro815Arg (NM_001374253.1); short protein forms P852R, P815R.
Identifiers: ClinVar variation 241736 (VCV000241736.12), dbSNP rs375827113, ClinGen allele CA2250119.

ClinVar aggregate classification (germline): Uncertain significance. Review status: criteria provided, multiple submitters, no conflicts (2 of 4 stars). 5 submissions from 5 submitters: Uncertain significance (5). Last evaluated 2024-11-21.

Conditions:
Inborn genetic diseases. Identifiers: MedGen C0950123, MeSH D030342.
Fanconi anemia (FA). Also called: Fanconi's anemia. Identifiers: Orphanet 84, MedGen C0015625, MeSH D005199, MONDO:0019391.
Fanconi anemia complementation group D2. Also called: FANCD2-Related Fanconi Anemia; FANCONI PANCYTOPENIA, TYPE 4; FANCONI ANEMIA, COMPLEMENTATION GROUP D. Identifiers: Orphanet 84, MedGen C3160738, MONDO:0009214, OMIM 227646.

Allele frequency attached by ClinVar (database versions not stated): TOPMed 0.00014; gnomAD 0.00016; ESP Exome Variant Server 0.00038.
gnomAD v4.1: 35 of 1,611,744 alleles (0.0022%); highest among the groups gnomAD compares: African/African-American, 0.043%; 1 homozygote.

Submissions (5):

Ambry Genetics
Classification: Uncertain significance for Inborn genetic diseases. Last evaluated: 2024-11-21. Review status: criteria provided, single submitter. Criteria: Ambry Variant Classification Scheme 2023. Collection method: clinical testing. Allele origin: germline.

Labcorp Genetics (formerly Invitae), Labcorp
Classification: Uncertain significance for Fanconi anemia. Last evaluated: 2024-09-03. Review status: criteria provided, single submitter. Criteria: Invitae Variant Classification Sherloc (09022015). Collection method: clinical testing. Allele origin: germline.
Comment: This sequence change replaces proline, which is neutral and non-polar, with arginine, which is basic and polar, at codon 852 of the FANCD2 protein (p.Pro852Arg). This variant is present in population databases (rs375827113, gnomAD 0.04%). This variant has not been reported in the literature in individuals affected with FANCD2-related conditions. ClinVar contains an entry for this variant (Variation ID: 241736). Invitae Evidence Modeling of protein sequence and biophysical properties (such as structural, functional, and spatial information, amino acid conservation, physicochemical variation, residue mobility, and thermodynamic stability) indicates that this missense variant is not expected to disrupt FANCD2 protein function with a negative predictive value of 80%. In summary, the available evidence is currently insufficient to determine the role of this variant in disease. Therefore, it has been classified as a Variant of Uncertain Significance.

Fulgent Genetics
Classification: Uncertain significance for Fanconi anemia complementation group D2. Last evaluated: 2022-05-26. Review status: criteria provided, single submitter. Criteria: ACMG Guidelines, 2015. Collection method: clinical testing. Allele origin: unknown.

Genetic Services Laboratory, University of Chicago
Classification: Uncertain significance. Last evaluated: 2020-04-24. Review status: criteria provided, single submitter. Criteria: ACMG Guidelines, 2015. Collection method: clinical testing. Allele origin: germline. Affected: no.
Comment: DNA sequence analysis of the FANCD2 gene demonstrated a sequence change, c.2555C>G, in exon 27 that results in an amino acid change, p.Pro852Arg. This sequence change does not appear to have been previously described in patients with FANCD2-related disorders and has been described in the EXAC database with a low population frequency of 0.040% in the African subpopulation (dbSNP rs375827113). The p.Pro852Arg change affects a moderately conserved amino acid residue located in a domain of the FANCD2 protein that is not known to be functional. In-silico pathogenicity prediction tools (SIFT, PolyPhen2, Align GVGD, REVEL) provide contradictory results for the p.Pro852Arg substitution. Due to these contrasting evidences and the lack of functional studies, the clinical significance of the p.Pro852Arg change remains unknown at this time.

Baylor Genetics
Classification: Uncertain significance for Fanconi anemia complementation group D2. Last evaluated: 2018-01-29. Review status: criteria provided, single submitter. Criteria: ACMG Guidelines, 2015. Collection method: clinical testing. Allele origin: unknown. Affected: yes.
Comment: This variant was determined to be of uncertain significance according to ACMG Guidelines, 2015 [PMID:25741868].